The following is an entry in ClinVar:

NM_000092.5(COL4A4):c.1891G>T (p.Gly631Ter)

Gene: COL4A4 (collagen type IV alpha 4 chain; minus strand). Cytogenetic location: 2q36.3.
Variant type: single nucleotide variant.
Coding change: c.1891G>T on transcript NM_000092.5 (MANE Select); coding-DNA position 1891, G replaced by T.
Protein change: p.Gly631Ter; replaces glycine 631 with a stop codon.
Molecular consequence: nonsense.
Genome position (GRCh38, 1-based): chr2:227,077,990, C>A on the plus strand (G>T on the coding strand, the complement: COL4A4 is on the minus strand). VCF-style: chr2-227077990-C-A. GRCh37 (hg19) VCF-style: chr2-227942706-C-A.
Other names: short protein forms G631*.
Identifiers: ClinVar variation 2129629 (VCV002129629.5), dbSNP rs2474718308, ClinGen allele CA350845281.

ClinVar aggregate classification (germline): Pathogenic/Likely pathogenic. Review status: criteria provided, multiple submitters, no conflicts (2 of 4 stars). 2 submissions from 2 submitters: Pathogenic (1); Likely pathogenic (1). Last evaluated 2024-06-27.

Conditions:
COL4A4-related disorder.

Submissions (2):

Blueprint Genetics
Classification: Likely pathogenic for COL4A4-related disorders. Last evaluated: 2024-06-27. Review status: criteria provided, single submitter. Criteria: ACMG Guidelines, 2015. Collection method: clinical testing. Allele origin: germline. Affected: yes. Observed: 1 variant allele.

Labcorp Genetics (formerly Invitae), Labcorp
Classification: Pathogenic. Last evaluated: 2022-04-23. Review status: criteria provided, single submitter. Criteria: Invitae Variant Classification Sherloc (09022015). Collection method: clinical testing. Allele origin: germline.
Comment: For these reasons, this variant has been classified as Pathogenic. This variant has not been reported in the literature in individuals affected with COL4A4-related conditions. This variant is not present in population databases (gnomAD no frequency). This sequence change creates a premature translational stop signal (p.Gly631*) in the COL4A4 gene. It is expected to result in an absent or disrupted protein product. Loss-of-function variants in COL4A4 are known to be pathogenic (PMID: 21196518, 24854265, 25307543).

Literature cited by the submitters: PubMed 21196518 (cited by Labcorp Genetics (formerly Invitae), Labcorp); PubMed 24854265 (cited by Labcorp Genetics (formerly Invitae), Labcorp); PubMed 25307543 (cited by Labcorp Genetics (formerly Invitae), Labcorp).